The following is an entry in ClinVar:

ClinVar aggregate classification (germline): Uncertain significance. Review status: criteria provided, multiple submitters, no conflicts (2 of 4 stars). 3 submissions from 3 submitters: Uncertain significance (3). Last evaluated 2026-07-01.

Allele frequency attached by ClinVar (database versions not stated): ExAC 0.00001; gnomAD 0.00001 and 0.00002; gnomAD exomes below 0.00001; TOPMed 0.00001; 1000 Genomes Project 30x 0.00016; 1000 Genomes Project 0.00020.
gnomAD v4.1: 4 of 1,614,046 alleles (0.00025%); highest among the groups gnomAD compares: African/African-American, 0.004%; no homozygotes.

Submissions (3):

GeneDx
Classification: Uncertain significance. Last evaluated: 2026-07-01. Review status: criteria provided, single submitter. Criteria: GeneDx Variant Classification Process June 2021. Collection method: clinical testing. Allele origin: germline.
Comment: Reported without a second variant in a patient with hearing loss in published literature (PMID: 23967202); In silico analysis supports that this missense variant has a deleterious effect on protein structure/function; This variant is associated with the following publications: (PMID: 23967202)

Labcorp Genetics (formerly Invitae), Labcorp
Classification: Uncertain significance. Last evaluated: 2022-08-15. Review status: criteria provided, single submitter. Criteria: Invitae Variant Classification Sherloc (09022015). Collection method: clinical testing. Allele origin: germline.
Comment: This sequence change replaces arginine, which is basic and polar, with cysteine, which is neutral and slightly polar, at codon 159 of the ESRRB protein (p.Arg159Cys). This variant is present in population databases (rs576940797, gnomAD 0.008%). This missense change has been observed in individual(s) with deafness (PMID: 23967202). ClinVar contains an entry for this variant (Variation ID: 666829). Algorithms developed to predict the effect of missense changes on protein structure and function (SIFT, PolyPhen-2, Align-GVGD) all suggest that this variant is likely to be disruptive. In summary, the available evidence is currently insufficient to determine the role of this variant in disease. Therefore, it has been classified as a Variant of Uncertain Significance.

Laboratory for Molecular Medicine, Mass General Brigham Personalized Medicine
Classification: Uncertain significance. Last evaluated: 2018-04-24. Review status: criteria provided, single submitter. Criteria: LMM Criteria. Collection method: clinical testing. Allele origin: germline. Observed: 1 variant allele.
Comment: The p.Arg159Cys variant in ESRRB has been previously reported in one individual with sensorineural hearing loss in the heterozygous state (Miyagawa 2013). It ha s also been identified in 2/24024 African chromosomes by the Genome Aggregation Database (gnomAD; dbSNP rs576940797). Although this variant has been seen in the general population, its frequency is not high enough to rule out a pathogenic role. Computational prediction tools and conse rvation analysis suggest that the p.Arg159Cys variant may impact the protein, th ough this information is not predictive enough to determine pathogenicity. In su mmary, the clinical significance of the p.Arg159Cys variant is uncertain. ACMG/A MP Criteria applied: PM2; PP3.

Literature cited by the submitters: PubMed 23967202 (cited by Labcorp Genetics (formerly Invitae), Labcorp and Laboratory for Molecular Medicine, Mass General Brigham Personalized Medicine).

NM_001379180.1(ESRRB):c.538C>T (p.Arg180Cys)

Gene: ESRRB (estrogen related receptor beta; plus strand). Cytogenetic location: 14q24.3.
Variant type: single nucleotide variant.
Coding change: c.538C>T on transcript NM_001379180.1 (MANE Select); coding-DNA position 538, C replaced by T.
Protein change: p.Arg180Cys; replaces arginine 180 with cysteine.
Molecular consequence: missense variant.
Genome position (GRCh38, 1-based): chr14:76,462,622, C>T. VCF-style: chr14-76462622-C-T. GRCh37 (hg19) VCF-style: chr14-76928965-C-T.
Other names: c.475C>T, p.Arg159Cys (NM_004452.4); short protein forms R159C, R180C.
Identifiers: ClinVar variation 666829 (VCV000666829.8), dbSNP rs576940797, ClinGen allele CA7281608.